The following is an entry in ClinVar:

NM_021101.5(CLDN1):c.60C>T (p.Gly20=)

Genes: CLDN1 (claudin 1; minus strand), CLDN16 (claudin 16; plus strand). Cytogenetic location: 3q28.
Variant type: single nucleotide variant.
Coding change: c.60C>T on transcript NM_021101.5 (MANE Select); coding-DNA position 60, C replaced by T.
Protein change: p.Gly20=; no amino-acid change (glycine 20 retained).
Molecular consequence: synonymous variant. On other transcripts: intron variant (2).
Genome position (GRCh38, 1-based): chr3:190,322,147, G>A on the plus strand (C>T on the coding strand, the complement: CLDN1 is on the minus strand). VCF-style: chr3-190322147-G-A. GRCh37 (hg19) VCF-style: chr3-190039936-G-A.
Other names: c.-279+7088G>A (NM_001378492.1); c.-279+31556G>A (NM_001378493.1).
Identifiers: ClinVar variation 2910791 (VCV002910791.6), dbSNP rs778676405, ClinGen allele CA2753641.

ClinVar aggregate classification (germline): Likely benign. Review status: criteria provided, multiple submitters, no conflicts (2 of 4 stars). 3 submissions from 3 submitters: Likely benign (2). 1 of the submissions does not count toward it. Last evaluated 2024-10-17.

Conditions:
CLDN1-related disorder. Also called: CLDN1-related condition.

Allele frequency attached by ClinVar (database versions not stated): gnomAD 0.00001; TOPMed below 0.00001; gnomAD exomes below 0.00001.
gnomAD v4.1: 11 of 1,614,106 alleles (0.00068%); highest among the groups gnomAD compares: Non-Finnish European, 0.00059%; no homozygotes.

Submissions (3):

Labcorp Genetics (formerly Invitae), Labcorp
Classification: Likely benign. Last evaluated: 2024-10-17. Review status: criteria provided, single submitter. Criteria: Invitae Variant Classification Sherloc (09022015). Collection method: clinical testing. Allele origin: germline.

Blueprint Genetics
Classification: Likely benign. Last evaluated: 2022-08-25. Review status: criteria provided, single submitter. Criteria: ACMG Guidelines, 2015. Collection method: clinical testing. Allele origin: germline.

PreventionGenetics, part of Exact Sciences
Classification: Likely benign for CLDN1-related condition. Last evaluated: 2021-08-25. Review status: no assertion criteria provided. Collection method: clinical testing. Allele origin: germline. Not counted in ClinVar's aggregate classification.
Comment: This variant is classified as likely benign based on ACMG/AMP sequence variant interpretation guidelines (Richards et al. 2015 PMID: 25741868, with internal and published modifications).